The following is an entry in ClinVar:

ClinVar aggregate classification (germline): Benign. Review status: criteria provided, multiple submitters, no conflicts (2 of 4 stars). 6 submissions from 6 submitters: Benign (5). 1 of the submissions does not count toward it. Last evaluated 2026-02-04.

Conditions:
Glycogen storage disease due to lactate dehydrogenase M-subunit deficiency (GSD11). Also called: GSD XI; LACTATE DEHYDROGENASE A DEFICIENCY; Glycogen storage disease XI. Identifiers: Orphanet 284426, MedGen C2931743, MONDO:0013047, OMIM 612933.

Allele frequency attached by ClinVar (database versions not stated): 1000 Genomes Project 30x 0.62742; TOPMed 0.63393; gnomAD 0.65044 and 0.64502; ExAC 0.69779; gnomAD exomes 0.71565 and 0.70429; ESP Exome Variant Server 0.63228; 1000 Genomes Project 0.63458.
gnomAD v4.1: 1,139,453 of 1,607,204 alleles (71%); highest among the groups gnomAD compares: South Asian, 75%; 407,706 homozygotes.

Submissions (6):

Labcorp Genetics (formerly Invitae), Labcorp
Classification: Benign for Glycogen storage disease due to lactate dehydrogenase M-subunit deficiency. Last evaluated: 2026-02-04. Review status: criteria provided, single submitter. Criteria: Invitae Variant Classification Sherloc (09022015). Collection method: clinical testing. Allele origin: germline.

Genome-Nilou Lab
Classification: Benign for Glycogen storage disease due to lactate dehydrogenase M-subunit deficiency. Last evaluated: 2021-08-19. Review status: criteria provided, single submitter. Criteria: ACMG Guidelines, 2015. Collection method: clinical testing. Allele origin: germline. Affected: no.

Illumina Laboratory Services, Illumina
Classification: Benign for Glycogen storage disease due to lactate dehydrogenase M-subunit deficiency. Last evaluated: 2018-01-13. Review status: criteria provided, single submitter. Criteria: ICSL Variant Classification Criteria 13 December 2019. Collection method: clinical testing. Allele origin: germline.
Comment: This variant was observed in the ICSL laboratory as part of a predisposition screen in an ostensibly healthy population. It had not been previously curated by ICSL or reported in the Human Gene Mutation Database (HGMD: prior to June 1st, 2018), and was therefore a candidate for classification through an automated scoring system. Utilizing variant allele frequency, disease prevalence and penetrance estimates, and inheritance mode, an automated score was calculated to assess if this variant is too frequent to cause the disease. Based on the score and internal cut-off values, a variant classified as benign is not then subjected to further curation. The score for this variant resulted in a classification of benign for this disease.

GeneDx
Classification: Benign. Last evaluated: 2015-12-02. Review status: criteria provided, single submitter. Criteria: GeneDx Variant Classification (06012015). Collection method: clinical testing. Allele origin: germline. Affected: yes.
Comment: This variant is considered likely benign or benign based on one or more of the following criteria: it is a conservative change, it occurs at a poorly conserved position in the protein, it is predicted to be benign by multiple in silico algorithms, and/or has population frequency not consistent with disease.

Breakthrough Genomics
Classification: Benign. Review status: criteria provided, single submitter. Criteria: ACMG Guidelines, 2015. Collection method: not provided. Allele origin: germline. Inheritance: Autosomal recessive inheritance. Affected: yes.

Mayo Clinic Laboratories, Mayo Clinic
Classification: Benign. Last evaluated: 2015-10-23. Review status: no assertion criteria provided. Collection method: clinical testing. Allele origin: unknown. Not counted in ClinVar's aggregate classification.

NM_005566.4(LDHA):c.483C>T (p.Ser161=)

Gene: LDHA (lactate dehydrogenase A; plus strand). Cytogenetic location: 11p15.1.
Variant type: single nucleotide variant.
Coding change: c.483C>T on transcript NM_005566.4 (MANE Select); coding-DNA position 483, C replaced by T.
Protein change: p.Ser161=; no amino-acid change (serine 161 retained).
Molecular consequence: synonymous variant. On other transcripts: non-coding transcript variant (1).
Genome position (GRCh38, 1-based): chr11:18,402,904, C>T. VCF-style: chr11-18402904-C-T. GRCh37 (hg19) VCF-style: chr11-18424451-C-T.
Other names: c.309C>T, p.Ser103= (NM_001135239.2); c.570C>T, p.Ser190= (NM_001165414.2); c.483C>T, p.Ser161= (NM_001165415.2, NM_001165416.2).
Identifiers: ClinVar variation 303914 (VCV000303914.20), dbSNP rs4687, ClinGen allele CA5911309.
Genomic context (GRCh38, chr11:18,402,904, plus strand): 5'-TATCTTGACCTACGTGGCTTGGAAGATAAGTGGTTTTCCCAAAAACCGTGTTATTGGAAG[C>T]GGTTGCAATCTGGATTCAGCCCGATTCCGTTACCTAATGGGGGAAAGGCTGGGAGTTCAC-3'
Protein context (NP_005557.1, residues 151-171): SGFPKNRVIG[Ser161=]GCNLDSARFR